The following is an entry in ClinVar:

NM_004859.4(CLTC):c.3595C>T (p.Gln1199Ter)

Gene: CLTC (clathrin heavy chain; plus strand). Cytogenetic location: 17q23.1.
Variant type: single nucleotide variant.
Coding change: c.3595C>T on transcript NM_004859.4 (MANE Select); coding-DNA position 3595, C replaced by T.
Protein change: p.Gln1199Ter; replaces glutamine 1199 with a stop codon.
Molecular consequence: nonsense.
Genome position (GRCh38, 1-based): chr17:59,682,423, C>T. VCF-style: chr17-59682423-C-T. GRCh37 (hg19) VCF-style: chr17-57759784-C-T.
Other names: c.3607C>T, p.Gln1203Ter (NM_001288653.2); short protein forms Q1203*, Q1199*.
Identifiers: ClinVar variation 4710419 (VCV004710419.1).

ClinVar aggregate classification (germline): Pathogenic (1 of 4 stars; one submission).

Submission:

Labcorp Genetics (formerly Invitae), Labcorp
Classification: Pathogenic. Last evaluated: 2025-08-20. Review status: criteria provided, single submitter. Criteria: Invitae Variant Classification Sherloc (09022015). Collection method: clinical testing. Allele origin: germline.
Comment: This sequence change creates a premature translational stop signal (p.Gln1203*) in the CLTC gene. It is expected to result in an absent or disrupted protein product. Loss-of-function variants in CLTC are known to be pathogenic (PMID: 29100083). This variant is not present in population databases (gnomAD no frequency). This premature translational stop signal has been observed in individual(s) with developmental and epileptic encephalopathy (PMID: 29100083). This variant is also known as p.Gln1199*. For these reasons, this variant has been classified as Pathogenic.

Literature cited by the submitters: PubMed 29100083.